The following is an entry in ClinVar:

NM_001371986.1(UNC80):c.5815G>A (p.Val1939Met)

Gene: UNC80 (unc-80 subunit of NALCN channel complex; plus strand). Cytogenetic location: 2q34.
Variant type: single nucleotide variant.
Coding change: c.5815G>A on transcript NM_001371986.1 (MANE Select); coding-DNA position 5815, G replaced by A.
Protein change: p.Val1939Met; replaces valine 1939 with methionine.
Molecular consequence: missense variant.
Genome position (GRCh38, 1-based): chr2:209,929,879, G>A. VCF-style: chr2-209929879-G-A. GRCh37 (hg19) VCF-style: chr2-210794603-G-A.
Other names: c.5617G>A, p.Val1873Met (NM_032504.2); c.5602G>A, p.Val1868Met (NM_182587.4); short protein forms V1868M, V1873M, V1939M.
Identifiers: ClinVar variation 1449291 (VCV001449291.6), dbSNP rs2124964127, ClinGen allele CA350766734.

ClinVar aggregate classification (germline): Uncertain significance (1 of 4 stars; one submission).

Allele frequency attached by ClinVar (database versions not stated): gnomAD exomes below 0.00001.
gnomAD v4.1: 2 of 1,527,268 alleles (0.00013%); highest among the groups gnomAD compares: Non-Finnish European, 0.00018%; no homozygotes.

Submission:

Labcorp Genetics (formerly Invitae), Labcorp
Classification: Uncertain significance. Last evaluated: 2022-08-09. Review status: criteria provided, single submitter. Criteria: Invitae Variant Classification Sherloc (09022015). Collection method: clinical testing. Allele origin: germline.
Comment: Algorithms developed to predict the effect of missense changes on protein structure and function are either unavailable or do not agree on the potential impact of this missense change (SIFT: "Not Available"; PolyPhen-2: "Probably Damaging"; Align-GVGD: "Not Available"). ClinVar contains an entry for this variant (Variation ID: 1449291). This variant has not been reported in the literature in individuals affected with UNC80-related conditions. This variant is not present in population databases (gnomAD no frequency). This sequence change replaces valine with methionine at codon 1873 of the UNC80 protein (p.Val1873Met). The valine residue is moderately conserved and there is a small physicochemical difference between valine and methionine. In summary, the available evidence is currently insufficient to determine the role of this variant in disease. Therefore, it has been classified as a Variant of Uncertain Significance.